The following is an entry in ClinVar:

ClinVar aggregate classification (germline): Pathogenic. Review status: criteria provided, multiple submitters, no conflicts (2 of 4 stars). 2 submissions from 2 submitters: Pathogenic (2). Last evaluated 2024-10-29.

Conditions:
Cardiovascular phenotype. Identifiers: MedGen CN230736.
Charcot-Marie-Tooth disease type 2. Also called: Charcot-Marie-Tooth type 2. Identifiers: Orphanet 64746, MedGen C0270914, MONDO:0018993.

Submissions (2):

Ambry Genetics
Classification: Pathogenic for Cardiovascular phenotype. Last evaluated: 2024-10-29. Review status: criteria provided, single submitter. Criteria: Ambry Variant Classification Scheme 2023. Collection method: clinical testing. Allele origin: germline.
Comment: The c.1321delG pathogenic mutation, located in coding exon 7 of the LMNA gene, results from a deletion of one nucleotide at nucleotide position 1321, causing a translational frameshift with a predicted alternate stop codon (p.A441Pfs*39). This variant is considered to be rare based on population cohorts in the Genome Aggregation Database (gnomAD). This alteration is expected to result in loss of function by premature protein truncation or nonsense-mediated mRNA decay. As such, this alteration is interpreted as a disease-causing mutation.

Labcorp Genetics (formerly Invitae), Labcorp
Classification: Pathogenic for Charcot-Marie-Tooth disease type 2. Last evaluated: 2020-10-19. Review status: criteria provided, single submitter. Criteria: Invitae Variant Classification Sherloc (09022015). Collection method: clinical testing. Allele origin: germline.
Comment: This variant has been observed in individual(s) with atrial fibrillation (PMID: 29237675). For these reasons, this variant has been classified as Pathogenic. This variant is not present in population databases (ExAC no frequency). This sequence change creates a premature translational stop signal (p.Ala441Profs*39) in the LMNA gene. It is expected to result in an absent or disrupted protein product. Loss-of-function variants in LMNA are known to be pathogenic (PMID: 18585512, 18926329).

Literature cited by the submitters: PubMed 29237675 (cited by Labcorp Genetics (formerly Invitae), Labcorp); PubMed 18585512 (cited by Labcorp Genetics (formerly Invitae), Labcorp); PubMed 18926329 (cited by Labcorp Genetics (formerly Invitae), Labcorp).

NM_170707.4(LMNA):c.1321del (p.Ala441fs)

Gene: LMNA (lamin A/C; plus strand). Cytogenetic location: 1q22.
Variant type: Deletion.
Coding change: c.1321del on transcript NM_170707.4 (MANE Select); coding-DNA position 1321, one base deleted (G; older notation c.1321delG).
Protein change: p.Ala441fs; shifts the reading frame from alanine 441.
Molecular consequence: frameshift variant.
Genome position (GRCh38, 1-based): chr1:156,136,377, G deleted; the last of 2 consecutive G bases (chr1:156,136,376-156,136,377); deleting either gives the same sequence. VCF-style (leftmost placement, unchanged base first): chr1-156136375-TG-T. GRCh37 (hg19) VCF-style: chr1-156106166-TG-T.
Other names: c.985del, p.Ala329fs (NM_001257374.3); c.1078del, p.Ala360fs (NM_001282624.2); c.1321del, p.Ala441fs (NM_001282625.2, NM_001282626.2, NM_005572.4 and 1 more transcripts); c.1321delG (NM_170707.2); short protein forms A329fs, A360fs, A441fs.
Identifiers: ClinVar variation 1073872 (VCV001073872.10), dbSNP rs2102890974, ClinGen allele CA2499214218.